The following is an entry in ClinVar:

NM_000051.4(ATM):c.7928-10T>C

Genes: ATM (ATM serine/threonine kinase; plus strand), C11orf65 (chromosome 11 open reading frame 65; minus strand). Cytogenetic location: 11q22.3.
Variant type: single nucleotide variant.
Coding change: c.7928-10T>C on transcript NM_000051.4 (MANE Select); 10 bases into the intron before coding-DNA position 7928, T replaced by C.
Molecular consequence: intron variant.
Genome position (GRCh38, 1-based): chr11:108,333,876, T>C. VCF-style: chr11-108333876-T-C. GRCh37 (hg19) VCF-style: chr11-108204603-T-C.
Other names: IVS53-10T>C; c.7928-10T>C (NM_001351834.2); c.641-24805A>G (NM_001330368.2); c.*38+1344A>G (NM_001351110.2).
Identifiers: ClinVar variation 127452 (VCV000127452.31), dbSNP rs188404773, ClinGen allele CA287004.
Genomic context (GRCh38, chr11:108,333,876, plus strand): 5'-GACTATTCCTGCTTGACCTTCAATGCTGTTCCTCAGTTTGTCACTAAAATCTCTTCATTT[T>C]TAAATACAGAAGGCATAAATATTCCAGCAGACCAGCCAATTACTAAACTTAAGAATTTAG-3'

ClinVar aggregate classification (germline): Conflicting classifications of pathogenicity. Review status: criteria provided, conflicting classifications (1 of 4 stars). 16 submissions from 16 submitters: Uncertain significance (3); Benign (5); Likely benign (5). 3 of the submissions do not count toward it. Last evaluated 2026-01-28.

Conditions:
Hereditary cancer-predisposing syndrome. Also called: Neoplastic Syndromes, Hereditary; Hereditary Cancer Syndrome; Tumor predisposition; Hereditary neoplastic syndrome. Identifiers: Orphanet 140162, MedGen C0027672, MeSH D009386, MONDO:0015356.
Ataxia-telangiectasia syndrome (AT). Also called: Ataxia-telangiectasia, complementation group D; AT, COMPLEMENTATION GROUP C; Ataxia-telangiectasia; ATAXIA-TELANGIECTASIA, COMPLEMENTATION GROUP A; ATAXIA-TELANGIECTASIA, FRESNO VARIANT; Ataxia-telangiectasia, complementation group E. Identifiers: Orphanet 100, MedGen C0004135, MONDO:0008840, OMIM 208900.
Familial cancer of breast. Also called: BREAST CANCER, FAMILIAL; hereditary breast carcinoma; Hereditary breast cancer. Identifiers: Orphanet 227535, MedGen C0346153, MONDO:0016419, OMIM 114480. Disease mechanism: loss of function.
Malignant tumor of breast. Also called: Malignant breast neoplasm; Cancer breast. Identifiers: MedGen C0006142, MONDO:0007254. Disease mechanism: loss of function.

Allele frequency attached by ClinVar (database versions not stated): 1000 Genomes Project 30x 0.00062; TOPMed 0.00087; gnomAD 0.00079 and 0.00072; ExAC 0.00019; 1000 Genomes Project 0.00060; ESP Exome Variant Server 0.00085.
gnomAD v4.1: 224 of 1,592,806 alleles (0.014%); highest among the groups gnomAD compares: African/African-American, 0.24%; 1 homozygote.

Submissions (16):

Labcorp Genetics (formerly Invitae), Labcorp
Classification: Benign for Ataxia-telangiectasia syndrome. Last evaluated: 2026-01-28. Review status: criteria provided, single submitter. Criteria: Invitae Variant Classification Sherloc (09022015). Collection method: clinical testing. Allele origin: germline.

Institute for Biomarker Research, Medical Diagnostic Laboratories, L.L.C.
Classification: Benign for Hereditary cancer-predisposing syndrome. Last evaluated: 2025-01-30. Review status: criteria provided, single submitter. Criteria: ACMG Guidelines, 2015. Collection method: clinical testing. Allele origin: germline.
Comment: The intron variant NM_000051.4(ATM):c.7928-10T>C has not been reported previously as a pathogenic variant, to our knowledge. The variant is observed in one or more well-documented healthy adults. The c.7928-10T>C variant is observed in 34/16,240 (0.2094%) alleles from individuals of gnomAD African background in gnomAD. The c.7928-10T>C variant is not predicted to disrupt the existing acceptor splice site 8bp upstream by 3 of 4 splice site algorithms. For these reasons, this variant has been classified as Benign.

Molecular Diagnostics Laboratory, Catalan Institute of Oncology
Classification: Likely benign for Hereditary cancer-predisposing syndrome. Last evaluated: 2024-12-09. Review status: criteria provided, single submitter. Criteria: ClinGen ACMG Specifications ATM V1.1.0. Collection method: clinical testing. Allele origin: germline.
Comment: BS1, BP4 ATM c.7928-10T>C is an intronic variant close to a canonical splice site. This variant is found in 59/23600 at a filtering allele frequency of 0.199% in the gnomAD v2.1.1 database African non-cancer data set (BS1). The SpliceAI algorithm predicts no significant impact on splicing (BP4). To our knowledge, functional studies have not been reported for this variant. This variant has been reported in ClinVar database (3x uncertain significance, 6x as likely benign, 4x benign) and in the LOVD database (4x likely benign, 1x uncertain significance). Based on currently available information, the variant c.7928-10T>C is classified as a likely benign variant according to ClinGen-ATM Guidelines version 1.1.

Myriad Genetics, Inc.
Classification: Benign for Familial cancer of breast. Last evaluated: 2024-06-17. Review status: criteria provided, single submitter. Criteria: Myriad Autosomal Dominant, Autosomal Recessive and X-Linked Classification Criteria (2023). Collection method: clinical testing. Allele origin: unknown.
Comment: This variant is considered benign. This variant is intronic and is not expected to impact mRNA splicing. This variant is strongly associated with less severe personal and family histories of cancer, typical for individuals without pathogenic variants in this gene [PMID: 25085752].

Blueprint Genetics
Classification: Likely benign. Last evaluated: 2024-04-22. Review status: criteria provided, single submitter. Criteria: ACMG Guidelines, 2015. Collection method: clinical testing. Allele origin: germline.

Sema4
Classification: Likely benign for Hereditary cancer-predisposing syndrome. Last evaluated: 2021-01-28. Review status: criteria provided, single submitter. Criteria: Sema4 Curation Guidelines. Collection method: curation. Allele origin: germline.

Athena Diagnostics
Classification: Benign. Last evaluated: 2019-05-01. Review status: criteria provided, single submitter. Criteria: Athena Diagnostics Criteria. Collection method: clinical testing. Allele origin: germline.

Quest Diagnostics Nichols Institute San Juan Capistrano
Classification: Benign. Last evaluated: 2019-05-01. Review status: criteria provided, single submitter. Criteria: Quest Diagnostics criteria. Collection method: clinical testing. Allele origin: unknown.

GeneDx
Classification: Uncertain significance. Last evaluated: 2018-10-19. Review status: criteria provided, single submitter. Criteria: GeneDx Variant Classification (06012015). Collection method: clinical testing. Allele origin: germline. Affected: yes.
Comment: This variant is denoted ATM c.7928-10T>C or IVS53-10T>C and consists of a T>C nucleotide substitution at the -10 position of intron 53 of the ATM gene. In silico analyses, which include splice predictors and evolutionary conservation, are inconsistent in their assessment as to whether or not the variant is damaging. This variant has been reported in one individual with breast cancer (Decker 2017). ATM c.7928-10T>C was observed at an allele frequency of 0.23% (56/24,028) in individuals of African ancestry in large population cohorts (Lek 2016). Based on currently available evidence, it is unclear whether ATM c.7928-10T>C is a pathogenic or benign variant. We consider it to be a variant of uncertain significance.

Eurofins Ntd Llc (ga)
Classification: Likely benign. Last evaluated: 2018-05-29. Review status: criteria provided, single submitter. Criteria: EGL ClinVar v180209 classification definitions. Collection method: clinical testing. Allele origin: germline. Observed: 1 variant allele, 1 heterozygote.

Women's Health and Genetics/Laboratory Corporation of America, LabCorp
Classification: Uncertain significance. Last evaluated: 2017-02-16. Review status: criteria provided, single submitter. Criteria: LabCorp Variant Classification Summary - May 2015. Collection method: clinical testing. Allele origin: germline.
Comment: Variant summary: The ATM c.7928-10T>C variant involves the alteration of a conserved intronic nucleotide and 4/5 splice prediction tools predict no significant impact on normal splicing. However, these predictions have yet to be confirmed by functional studies. This variant was found in 23/121240 control chromosomes, predominantly observed in the African subpopulation at a frequency of 0.002033 (21/10330). This frequency is about 2 times the estimated maximal expected allele frequency of a pathogenic ATM variant (0.0010005), suggesting this is likely a benign polymorphism found primarily in the populations of African origin. The variant of interest has not, to our knowledge, been reported in affected individuals via publications. Clinical diagnostic laboratories have classified this variant with conflicting classifications as uncertain significance (1) as well as benign (1). Therefore, this variant has been classified as a "Variant of Uncertain Significance - Possibly Benign."

Color Diagnostics, LLC DBA Color Health
Classification: Likely benign for Hereditary cancer-predisposing syndrome. Last evaluated: 2015-09-22. Review status: criteria provided, single submitter. Criteria: ACMG Guidelines, 2015. Collection method: clinical testing. Allele origin: germline.

Genetic Services Laboratory, University of Chicago
Classification: Uncertain significance. Last evaluated: 2015-09-02. Review status: criteria provided, single submitter. Criteria: ACMG Guidelines, 2015. Collection method: clinical testing. Allele origin: germline. Affected: no.

Clinical Genetics DNA and cytogenetics Diagnostics Lab, Erasmus MC, Erasmus Medical Center
Classification: Likely benign. Review status: no assertion criteria provided. Collection method: clinical testing. Allele origin: germline. Affected: yes. Study: VKGL Data-share Consensus. Not counted in ClinVar's aggregate classification.

Department of Pathology and Laboratory Medicine, Sinai Health System
Classification: Likely benign for Malignant tumor of breast. Review status: no assertion criteria provided. Collection method: clinical testing. Allele origin: unknown. Affected: yes. Study: The Canadian Open Genetics Repository (COGR). Not counted in ClinVar's aggregate classification.
Comment: The ATM c.7928-10T>C variant was not identified in the literature. The variant was identified in dbSNP (ID: rs188404773) as "With Uncertain significance allele", ClinVar (classified as benign by Invitae, as likely benign by EGL Genetic Diagnostics, and as uncertain significance by GeneDx, University of Chicago and Integrated Genetics), and in LOVD 3.0 (classified as likely benign by VKGL data sharing initiative).The variant was identified in control databases in 60 of 276948 chromosomes at a frequency of 0.0002 increasing the likelihood this could be a low frequency benign variant (Genome Aggregation Database Feb 27, 2017). The variant was observed in the following populations: African in 56 of 24028 chromosomes (freq: 0.002), Other in 1 of 6460 chromosomes (freq: 0.00016), Latino in 2 of 34418 chromosomes (freq: 0.00006), European Non-Finnish in 1 of 126484 chromosomes (freq: 0.000008), while the variant was not observed in the Ashkenazi Jewish, East Asian, European Finnish, and South Asian populations. The ATM c.7928-10T>C variant is located in the 3' splice region but does not affect the invariant -1 and -2 positions. However, positions -3 and -5 to -12 are part of the splicing consensus sequence and variants involving these positions sometimes affect splicing. In addition, 0 of 4 in silico or computational prediction software programs (SpliceSiteFinder, MaxEntScan, NNSPLICE, GeneSplicer) predict a greater than 10% difference in splicing. In summary, based on the above information the clinical significance of this variant cannot be determined with certainty at this time although we would lean towards a more benign role for this variant. This variant is classified as likely benign.

Genome Diagnostics Laboratory, University Medical Center Utrecht
Classification: Likely benign. Review status: no assertion criteria provided. Collection method: clinical testing. Allele origin: germline. Affected: yes. Study: VKGL Data-share Consensus. Not counted in ClinVar's aggregate classification.

Literature cited by the submitters: PubMed 25085752 (cited by Myriad Genetics, Inc.); PubMed 28779002 (cited by Athena Diagnostics and Quest Diagnostics Nichols Institute San Juan Capistrano).